The following is an entry in ClinVar:

ClinVar aggregate classification (germline): Uncertain significance (1 of 4 stars; one submission).

Submission:

Women's Health and Genetics/Laboratory Corporation of America, LabCorp
Classification: Uncertain significance. Last evaluated: 2025-11-04. Review status: criteria provided, single submitter. Criteria: LabCorp Variant Classification Summary - May 2015. Collection method: clinical testing. Allele origin: germline.
Comment: Variant summary: SETD1B c.9C>G (p.Asn3Lys) results in a non-conservative amino acid change in the encoded protein sequence. Algorithms developed to predict the effect of missense changes on protein structure and function all suggest that this variant is likely to be disruptive. The variant was absent in 152736 control chromosomes. The available data on variant occurrences in the general population are insufficient to allow any conclusion about variant significance. To our knowledge, no occurrence of c.9C>G in individuals affected with SETD1B-related conditions and no experimental evidence demonstrating its impact on protein function have been reported. No submitters have cited clinical-significance assessments for this variant to ClinVar. Based on the evidence outlined above, the variant was classified as uncertain significance.

NM_001353345.2(SETD1B):c.9C>G (p.Asn3Lys)

Gene: SETD1B (SET domain containing 1B, histone lysine methyltransferase; plus strand). Cytogenetic location: 12q24.31.
Variant type: single nucleotide variant.
Coding change: c.9C>G on transcript NM_001353345.2 (MANE Select); coding-DNA position 9, C replaced by G.
Protein change: p.Asn3Lys; replaces asparagine 3 with lysine.
Molecular consequence: missense variant.
Genome position (GRCh38, 1-based): chr12:121,804,746, C>G. VCF-style: chr12-121804746-C-G. GRCh37 (hg19) VCF-style: chr12-122242652-C-G.
Other names: short protein forms N3K.
Identifiers: ClinVar variation 4537103 (VCV004537103.1).